The following is an entry in ClinVar:

NC_000002.12:g.210577425_210577431del

Gene: CPS1 (carbamoyl-phosphate synthase 1; plus strand). Cytogenetic location: 2q34.
Variant type: Deletion.
Genome position: GRCh38 VCF-style: chr2-210577418-TAGGTTTC-T. GRCh37 (hg19) VCF-style: chr2-211442142-TAGGTTTC-T.
Identifiers: ClinVar variation 1444282 (VCV001444282.6), dbSNP rs2106081592, ClinGen allele CA2573135284.

ClinVar aggregate classification (germline): Pathogenic (1 of 4 stars; one submission).

Conditions:
Congenital hyperammonemia, type I. Also called: Carbamoyl phosphate synthetase I deficiency disease; Carbamoyl-phosphate synthase I deficiency; Carbamoyl phosphate synthetase 1 deficiency; Hyperammonemia due to carbamoyl phosphate synthetase 1 deficiency; CPS 1 deficiency; Carbamyl phosphate synthetase (CPS) deficiency. Identifiers: Orphanet 147, MedGen C4082171, MONDO:0009376, OMIM 237300.

Submission:

Labcorp Genetics (formerly Invitae), Labcorp
Classification: Pathogenic for Congenital hyperammonemia, type I. Last evaluated: 2020-12-21. Review status: criteria provided, single submitter. Criteria: Invitae Variant Classification Sherloc (09022015). Collection method: clinical testing. Allele origin: germline.
Comment: For these reasons, this variant has been classified as Pathogenic. This variant is not present in population databases (ExAC no frequency). This sequence change creates a premature translational stop signal (p.Ser129Cysfs*19) in the CPS1 gene. It is expected to result in an absent or disrupted protein product. Loss-of-function variants in CPS1 are known to be pathogenic (PMID: 21120950). This variant has not been reported in the literature in individuals with CPS1-related conditions.

Literature cited by the submitters: PubMed 21120950.